The following is an entry in ClinVar:

NM_000465.4(BARD1):c.1258A>G (p.Met420Val)

Gene: BARD1 (BRCA1 associated RING domain 1; minus strand). Cytogenetic location: 2q35.
Variant type: single nucleotide variant.
Coding change: c.1258A>G on transcript NM_000465.4 (MANE Select); coding-DNA position 1258, A replaced by G.
Protein change: p.Met420Val; replaces methionine 420 with valine.
Molecular consequence: missense variant. On other transcripts: non-coding transcript variant (2), intron variant (3).
Genome position (GRCh38, 1-based): chr2:214,780,616, T>C on the plus strand (A>G on the coding strand, the complement: BARD1 is on the minus strand). VCF-style: chr2-214780616-T-C. GRCh37 (hg19) VCF-style: chr2-215645340-T-C.
Other names: c.1201A>G, p.Met401Val (NM_001282543.2); c.159-28061A>G (NM_001282548.2); c.215+16445A>G (NM_001282545.2); c.364+11681A>G (NM_001282549.2); short protein forms M401V, M420V.
Identifiers: ClinVar variation 1057986 (VCV001057986.12), dbSNP rs1694942545, ClinGen allele CA350453522.

ClinVar aggregate classification (germline): Uncertain significance. Review status: criteria provided, multiple submitters, no conflicts (2 of 4 stars). 2 submissions from 2 submitters: Uncertain significance (2). Last evaluated 2025-10-16.

Conditions:
Familial cancer of breast. Also called: Hereditary breast cancer; BREAST CANCER, FAMILIAL; hereditary breast carcinoma. Identifiers: Orphanet 227535, MedGen C0346153, MONDO:0016419, OMIM 114480. Disease mechanism: loss of function.
Hereditary cancer-predisposing syndrome. Also called: Neoplastic Syndromes, Hereditary; Hereditary Cancer Syndrome; Hereditary neoplastic syndrome; Tumor predisposition. Identifiers: Orphanet 140162, MedGen C0027672, MeSH D009386, MONDO:0015356.

Allele frequency attached by ClinVar (database versions not stated): gnomAD exomes below 0.00001.
gnomAD v4.1: 2 of 1,614,078 alleles (0.00012%); highest among the groups gnomAD compares: Non-Finnish European, 0.00017%; no homozygotes.

Submissions (2):

Labcorp Genetics (formerly Invitae), Labcorp
Classification: Uncertain significance for Familial cancer of breast. Last evaluated: 2025-10-16. Review status: criteria provided, single submitter. Criteria: Invitae Variant Classification Sherloc (09022015). Collection method: clinical testing. Allele origin: germline.
Comment: This sequence change replaces methionine, which is neutral and non-polar, with valine, which is neutral and non-polar, at codon 420 of the BARD1 protein (p.Met420Val). This variant is not present in population databases (gnomAD no frequency). This variant has not been reported in the literature in individuals affected with BARD1-related conditions. ClinVar contains an entry for this variant (Variation ID: 1057986). An algorithm developed to predict the effect of missense changes on protein structure and function outputs the following: PolyPhen-2: "Benign". The valine amino acid residue is found in multiple mammalian species, which suggests that this missense change does not adversely affect protein function. In summary, the available evidence is currently insufficient to determine the role of this variant in disease. Therefore, it has been classified as a Variant of Uncertain Significance.

Ambry Genetics
Classification: Uncertain significance for Hereditary cancer-predisposing syndrome. Last evaluated: 2021-07-18. Review status: criteria provided, single submitter. Criteria: Ambry Variant Classification Scheme 2023. Collection method: clinical testing. Allele origin: germline.
Comment: The p.M420V variant (also known as c.1258A>G), located in coding exon 4 of the BARD1 gene, results from an A to G substitution at nucleotide position 1258. The methionine at codon 420 is replaced by valine, an amino acid with highly similar properties. This amino acid position is conserved. In addition, this alteration is predicted to be tolerated by in silico analysis. Since supporting evidence is limited at this time, the clinical significance of this alteration remains unclear.